The following is an entry in ClinVar:

NM_031433.4(MFRP):c.1385C>G (p.Pro462Arg)

Genes: C1QTNF5 (C1q and TNF related 5; minus strand), MFRP (membrane frizzled-related protein; minus strand). Cytogenetic location: 11q23.3.
Variant type: single nucleotide variant.
Coding change: c.1385C>G on transcript NM_031433.4 (MANE Select); coding-DNA position 1385, C replaced by G.
Protein change: p.Pro462Arg; replaces proline 462 with arginine.
Molecular consequence: missense variant. On other transcripts: 5 prime UTR variant (1).
Genome position (GRCh38, 1-based): chr11:119,342,598, G>C on the plus strand (C>G on the coding strand, the complement: MFRP is on the minus strand). VCF-style: chr11-119342598-G-C. GRCh37 (hg19) VCF-style: chr11-119213308-G-C.
Other names: c.-1252C>G (NM_015645.5); short protein forms P462R.
Identifiers: ClinVar variation 1995721 (VCV001995721.4), dbSNP rs1275135911, ClinGen allele CA382972956.

ClinVar aggregate classification (germline): Uncertain significance (1 of 4 stars; one submission).

Conditions:
Isolated microphthalmia 5. Also called: Posterior Microphthalmia with Retinitis Pigmentosa, Foveoschisis, and Optic Disc Drusen. Identifiers: Orphanet 251279, MedGen C1970236, MONDO:0012605, OMIM 611040.

gnomAD v4.1: 1 of 1,613,136 alleles (0.000062%); no homozygotes.

Submission:

Labcorp Genetics (formerly Invitae), Labcorp
Classification: Uncertain significance for Isolated microphthalmia 5. Last evaluated: 2022-09-27. Review status: criteria provided, single submitter. Criteria: Invitae Variant Classification Sherloc (09022015). Collection method: clinical testing. Allele origin: germline.
Comment: In summary, the available evidence is currently insufficient to determine the role of this variant in disease. Therefore, it has been classified as a Variant of Uncertain Significance. Algorithms developed to predict the effect of missense changes on protein structure and function are either unavailable or do not agree on the potential impact of this missense change (SIFT: "Deleterious"; PolyPhen-2: "Possibly Damaging"; Align-GVGD: "Class C0"). This variant has not been reported in the literature in individuals affected with MFRP-related conditions. This variant is not present in population databases (gnomAD no frequency). This sequence change replaces proline, which is neutral and non-polar, with arginine, which is basic and polar, at codon 462 of the MFRP protein (p.Pro462Arg).